The following is an entry in ClinVar:

ClinVar aggregate classification (germline): Likely benign. Review status: criteria provided, multiple submitters, no conflicts (2 of 4 stars). 4 submissions from 4 submitters: Likely benign (3). 1 of the submissions does not count toward it. Last evaluated 2025-12-28.

Conditions:
IFNGR2-related disorder. Also called: IFNGR2-related condition.
Immunodeficiency 28 (IMD28). Also called: IFNGR2 DEFICIENCY. Identifiers: Orphanet 319547, Orphanet 319574, MedGen C4013947, MONDO:0013953, OMIM 614889.

Allele frequency attached by ClinVar (database versions not stated): ESP Exome Variant Server 0.00008; TOPMed 0.00017; gnomAD 0.00021 and 0.00022; ExAC 0.00022; gnomAD exomes 0.00026; 1000 Genomes Project 30x 0.00031; 1000 Genomes Project 0.00040.
gnomAD v4.1: 383 of 1,614,102 alleles (0.024%); highest among the groups gnomAD compares: South Asian, 0.064%; 1 homozygote.

Submissions (4):

Labcorp Genetics (formerly Invitae), Labcorp
Classification: Likely benign for Immunodeficiency 28. Last evaluated: 2025-12-28. Review status: criteria provided, single submitter. Criteria: Invitae Variant Classification Sherloc (09022015). Collection method: clinical testing. Allele origin: germline.

Blueprint Genetics
Classification: Likely benign. Last evaluated: 2024-01-08. Review status: criteria provided, single submitter. Criteria: ACMG Guidelines, 2015. Collection method: clinical testing. Allele origin: germline.

CeGaT Center for Human Genetics Tuebingen
Classification: Likely benign. Last evaluated: 2023-10-01. Review status: criteria provided, single submitter. Criteria: CeGaT Center For Human Genetics Tuebingen Variant Classification Criteria Version 2. Collection method: clinical testing. Allele origin: germline. Affected: yes. Observed: 2 variant alleles.
Comment: IFNGR2: BP4, BP7

PreventionGenetics, part of Exact Sciences
Classification: Likely benign for IFNGR2-related condition. Last evaluated: 2019-09-09. Review status: no assertion criteria provided. Collection method: clinical testing. Allele origin: germline. Not counted in ClinVar's aggregate classification.
Comment: This variant is classified as likely benign based on ACMG/AMP sequence variant interpretation guidelines (Richards et al. 2015 PMID: 25741868, with internal and published modifications).

NM_005534.4(IFNGR2):c.756C>T (p.Ser252=)

Genes: IFNGR2 (interferon gamma receptor 2; plus strand), TMEM50B (transmembrane protein 50B; minus strand). Cytogenetic location: 21q22.11.
Variant type: single nucleotide variant.
Coding change: c.756C>T on transcript NM_005534.4 (MANE Select); coding-DNA position 756, C replaced by T.
Protein change: p.Ser252=; no amino-acid change (serine 252 retained).
Molecular consequence: synonymous variant. On other transcripts: non-coding transcript variant (1).
Genome position (GRCh38, 1-based): chr21:33,432,748, C>T. VCF-style: chr21-33432748-C-T. GRCh37 (hg19) VCF-style: chr21-34805055-C-T.
Other names: c.813C>T, p.Ser271= (NM_001329128.2).
Identifiers: ClinVar variation 717050 (VCV000717050.37), dbSNP rs186369364, ClinGen allele CA10007015.